The following is an entry in ClinVar:

ClinVar aggregate classification (germline): Uncertain significance (1 of 4 stars; one submission).

Submission:

Ambry Genetics
Classification: Uncertain significance. Last evaluated: 2025-03-15. Review status: criteria provided, single submitter. Criteria: Ambry Variant Classification Scheme 2023. Collection method: clinical testing. Allele origin: germline.
Comment: The p.A89G variant (also known as c.266C>G), located in coding exon 3 of the RAD51B gene, results from a C to G substitution at nucleotide position 266. The alanine at codon 89 is replaced by glycine, an amino acid with similar properties. This amino acid position is conserved. In addition, this alteration is predicted to be tolerated by in silico analysis. Based on the available evidence, the clinical significance of this variant remains unclear.

NM_133510.4(RAD51B):c.266C>G (p.Ala89Gly)

Gene: RAD51B (RAD51 paralog B; plus strand). Cytogenetic location: 14q24.1.
Variant type: single nucleotide variant.
Coding change: c.266C>G on transcript NM_133510.4 (MANE Select); coding-DNA position 266, C replaced by G.
Protein change: p.Ala89Gly; replaces alanine 89 with glycine.
Molecular consequence: missense variant. On other transcripts: 5 prime UTR variant (1).
Genome position (GRCh38, 1-based): chr14:67,835,147, C>G. VCF-style: chr14-67835147-C-G. GRCh37 (hg19) VCF-style: chr14-68301864-C-G.
Other names: c.266C>G, p.Ala89Gly (NM_001321809.2, NM_001321810.2, NM_001321812.1 and 6 more transcripts); c.152C>G, p.Ala51Gly (NM_001321815.1); c.-190C>G (NM_001321817.2); short protein forms A51G, A89G.
Identifiers: ClinVar variation 3942261 (VCV003942261.1).
Genomic context (GRCh38, chr14:67,835,147, plus strand): 5'-GGATAAAAGCACAAAGGTCTGCTGATTTCTCACCAGCATTCTTATCTACTACCCTTTCTG[C>G]TTTGGACGAAGCCCTGCATGGTGGTGTGGCTTGTGGATCCCTCACAGAGGTAAAGGAAAA-3'
Protein context (NP_598194.1, residues 79-99): SPAFLSTTLS[Ala89Gly]LDEALHGGVA